The following is an entry in ClinVar:

ClinVar aggregate classification (germline): Uncertain significance. Review status: criteria provided, multiple submitters, no conflicts (2 of 4 stars). 2 submissions from 2 submitters: Uncertain significance (2). Last evaluated 2024-12-20.

Conditions:
Ethylmalonic encephalopathy (EE). Also called: EPEMA syndrome; Encephalopathy, petechiae, and ethylmalonic aciduria; Syndrome of encephalopathy, petechiae, and ethylmalonic aciduria. Identifiers: Orphanet 51188, MedGen C1865349, MONDO:0011229, OMIM 602473. Disease mechanism: loss of function.

Allele frequency attached by ClinVar (database versions not stated): ExAC 0.00001; gnomAD 0.00001; TOPMed 0.00001; gnomAD exomes 0.00002.
gnomAD v4.1: 36 of 1,613,022 alleles (0.0022%); highest among the groups gnomAD compares: Middle Eastern, 0.017%; no homozygotes.

Submissions (2):

GeneDx
Classification: Uncertain significance. Last evaluated: 2024-12-20. Review status: criteria provided, single submitter. Criteria: GeneDx Variant Classification Process June 2021. Collection method: clinical testing. Allele origin: germline. Affected: yes.
Comment: Not observed at significant frequency in large population cohorts (gnomAD); In silico analysis indicates that this missense variant does not alter protein structure/function; Has not been previously published as pathogenic or benign to our knowledge

Labcorp Genetics (formerly Invitae), Labcorp
Classification: Uncertain significance for Ethylmalonic encephalopathy. Last evaluated: 2022-06-22. Review status: criteria provided, single submitter. Criteria: Invitae Variant Classification Sherloc (09022015). Collection method: clinical testing. Allele origin: germline.
Comment: This sequence change replaces alanine, which is neutral and non-polar, with valine, which is neutral and non-polar, at codon 126 of the ETHE1 protein (p.Ala126Val). This variant is present in population databases (rs768418351, gnomAD 0.005%). This variant has not been reported in the literature in individuals affected with ETHE1-related conditions. Algorithms developed to predict the effect of missense changes on protein structure and function (SIFT, PolyPhen-2, Align-GVGD) all suggest that this variant is likely to be tolerated. Algorithms developed to predict the effect of sequence changes on RNA splicing suggest that this variant may create or strengthen a splice site. In summary, the available evidence is currently insufficient to determine the role of this variant in disease. Therefore, it has been classified as a Variant of Uncertain Significance.

NM_014297.5(ETHE1):c.377C>T (p.Ala126Val)

Gene: ETHE1 (ETHE1 persulfide dioxygenase; minus strand). Cytogenetic location: 19q13.31.
Variant type: single nucleotide variant.
Coding change: c.377C>T on transcript NM_014297.5 (MANE Select); coding-DNA position 377, C replaced by T.
Protein change: p.Ala126Val; replaces alanine 126 with valine.
Molecular consequence: missense variant.
Genome position (GRCh38, 1-based): chr19:43,511,565, G>A on the plus strand (C>T on the coding strand, the complement: ETHE1 is on the minus strand). VCF-style: chr19-43511565-G-A. GRCh37 (hg19) VCF-style: chr19-44015717-G-A.
Other names: c.344C>T, p.Ala115Val (NM_001320867.2); c.8C>T, p.Ala3Val (NM_001320868.2); c.83C>T, p.Ala28Val (NM_001320869.2); c.377C>T (NM_014297.3); short protein forms A115V, A126V, A3V, A28V.
Identifiers: ClinVar variation 2048372 (VCV002048372.2), dbSNP rs768418351, ClinGen allele CA9487868.